The following is an entry in ClinVar:

ClinVar aggregate classification (germline): Uncertain significance (1 of 4 stars; one submission).

Conditions:
Familial thoracic aortic aneurysm and aortic dissection (TAAD). Also called: Thoracic aortic aneurysms and dissections. Identifiers: Orphanet 91387, MedGen C4707243, MONDO:0019625.
Hereditary cancer-predisposing syndrome. Also called: Tumor predisposition; Neoplastic Syndromes, Hereditary; Hereditary neoplastic syndrome; Hereditary Cancer Syndrome. Identifiers: Orphanet 140162, MedGen C0027672, MeSH D009386, MONDO:0015356.

Submission:

Ambry Genetics
Classification: Uncertain significance for Hereditary cancer-predisposing syndrome; Familial thoracic aortic aneurysm and aortic dissection. Last evaluated: 2024-11-27. Review status: criteria provided, single submitter. Criteria: Ambry Variant Classification Scheme 2023. Collection method: clinical testing. Allele origin: germline.
Comment: The p.S22G variant (also known as c.64A>G), located in coding exon 1 of the SMAD4 gene, results from an A to G substitution at nucleotide position 64. The serine at codon 22 is replaced by glycine, an amino acid with similar properties. This amino acid position is well conserved in available vertebrate species. In addition, the in silico prediction for this alteration is inconclusive. Based on the available evidence, the clinical significance of this variant remains unclear.

NM_005359.6(SMAD4):c.64A>G (p.Ser22Gly)

Gene: SMAD4 (SMAD family member 4; plus strand). Cytogenetic location: 18q21.2.
Variant type: single nucleotide variant.
Coding change: c.64A>G on transcript NM_005359.6 (MANE Select); coding-DNA position 64, A replaced by G.
Protein change: p.Ser22Gly; replaces serine 22 with glycine.
Molecular consequence: missense variant. On other transcripts: non-coding transcript variant (2).
Genome position (GRCh38, 1-based): chr18:51,047,110, A>G. VCF-style: chr18-51047110-A-G. GRCh37 (hg19) VCF-style: chr18-48573480-A-G.
Other names: c.64A>G, p.Ser22Gly (NM_001407041.1, NM_001407042.1, NM_001407043.1); short protein forms S22G.
Identifiers: ClinVar variation 3445880 (VCV003445880.1).